The following is an entry in ClinVar:

ClinVar aggregate classification (germline): Uncertain significance. Review status: criteria provided, multiple submitters, no conflicts (2 of 4 stars). 2 submissions from 2 submitters: Uncertain significance (2). Last evaluated 2025-09-10.

Conditions:
Inborn genetic diseases. Identifiers: MedGen C0950123, MeSH D030342.

Submissions (2):

Ambry Genetics
Classification: Uncertain significance for Inborn genetic diseases. Last evaluated: 2025-09-10. Review status: criteria provided, single submitter. Criteria: Ambry Variant Classification Scheme 2023. Collection method: clinical testing. Allele origin: germline.

GeneDx
Classification: Uncertain significance. Last evaluated: 2025-07-01. Review status: criteria provided, single submitter. Criteria: GeneDx Variant Classification Process June 2021. Collection method: clinical testing. Allele origin: germline. Affected: yes.
Comment: Not observed at significant frequency in large population cohorts (gnomAD); In silico analysis supports that this missense variant has a deleterious effect on protein structure/function; Has not been previously published as pathogenic or benign to our knowledge

NM_001039213.4(CEACAM16):c.636C>G (p.Ser212Arg)

Genes: CEACAM16 (CEA cell adhesion molecule 16, tectorial membrane component; plus strand), CEACAM16-AS1 (CEACAM16, CEACAM19 and PVR antisense RNA 1; minus strand). Cytogenetic location: 19q13.32.
Variant type: single nucleotide variant.
Coding change: c.636C>G on transcript NM_001039213.4 (MANE Select); coding-DNA position 636, C replaced by G.
Protein change: p.Ser212Arg; replaces serine 212 with arginine.
Molecular consequence: missense variant.
Genome position (GRCh38, 1-based): chr19:44,704,271, C>G. VCF-style: chr19-44704271-C-G. GRCh37 (hg19) VCF-style: chr19-45207541-C-G.
Other names: c.636C>G (NM_001039213.3); short protein forms S212R.
Identifiers: ClinVar variation 4224943 (VCV004224943.2).